The following is an entry in ClinVar:

ClinVar aggregate classification (germline): Uncertain significance (1 of 4 stars; one submission).

Submission:

Labcorp Genetics (formerly Invitae), Labcorp
Classification: Uncertain significance. Last evaluated: 2022-05-21. Review status: criteria provided, single submitter. Criteria: Invitae Variant Classification Sherloc (09022015). Collection method: clinical testing. Allele origin: germline.
Comment: In summary, the available evidence is currently insufficient to determine the role of this variant in disease. Therefore, it has been classified as a Variant of Uncertain Significance. Algorithms developed to predict the effect of missense changes on protein structure and function are either unavailable or do not agree on the potential impact of this missense change (SIFT: "Deleterious"; PolyPhen-2: "Probably Damaging"; Align-GVGD: "Class C0"). This variant has not been reported in the literature in individuals affected with LCA5-related conditions. This variant is not present in population databases (gnomAD no frequency). This sequence change replaces isoleucine, which is neutral and non-polar, with threonine, which is neutral and polar, at codon 239 of the LCA5 protein (p.Ile239Thr).

NM_001122769.3(LCA5):c.716T>C (p.Ile239Thr)

Gene: LCA5 (lebercilin LCA5; minus strand). Cytogenetic location: 6q14.1.
Variant type: single nucleotide variant.
Coding change: c.716T>C on transcript NM_001122769.3 (MANE Select); coding-DNA position 716, T replaced by C.
Protein change: p.Ile239Thr; replaces isoleucine 239 with threonine.
Molecular consequence: missense variant.
Genome position (GRCh38, 1-based): chr6:79,513,216, A>G on the plus strand (T>C on the coding strand, the complement: LCA5 is on the minus strand). VCF-style: chr6-79513216-A-G. GRCh37 (hg19) VCF-style: chr6-80222933-A-G.
Other names: c.716T>C, p.Ile239Thr (NM_181714.4); short protein forms I239T.
Identifiers: ClinVar variation 2098163 (VCV002098163.4), dbSNP rs2533438035, ClinGen allele CA364628035.